The following is an entry in ClinVar:

NM_000064.4(C3):c.4973T>C (p.Val1658Ala)

Gene: C3 (complement C3; minus strand). Cytogenetic location: 19p13.3.
Variant type: single nucleotide variant.
Coding change: c.4973T>C on transcript NM_000064.4 (MANE Select); coding-DNA position 4973, T replaced by C.
Protein change: p.Val1658Ala; replaces valine 1658 with alanine.
Molecular consequence: missense variant.
Genome position (GRCh38, 1-based): chr19:6,677,901, A>G on the plus strand (T>C on the coding strand, the complement: C3 is on the minus strand). VCF-style: chr19-6677901-A-G. GRCh37 (hg19) VCF-style: chr19-6677912-A-G.
Other names: short protein forms V1658A.
Identifiers: ClinVar variation 4280240 (VCV004280240.1).

ClinVar aggregate classification (germline): Uncertain significance (1 of 4 stars; one submission).

Conditions:
Atypical hemolytic-uremic syndrome. Identifiers: Orphanet 2134, MedGen C2931788, MONDO:0016244.

Submission:

Genomenon, Inc
Classification: Uncertain significance for Atypical hemolytic-uremic syndrome. Last evaluated: 2025-09-30. Review status: criteria provided, single submitter. Criteria: Genomenon Sequence Variant Interpretation Standards. Collection method: curation. Allele origin: germline. Affected: yes.
Comment: C3 p.Val1658Ala (c.4973T>C) is a missense variant that changes the amino acid at residue 1658 from Valine to Alanine. This variant has been observed in at least one proband affected with atypical hemolytic-uremic syndrome (PMID:22250080). The variant was found to segregate with disease in at least one affected family (PMID:22250080). Functional studies have been reported; however, the significance of the findings remain unclear (PMID:22250080). It is absent or not present at a significant frequency in gnomAD. In silico models agree that this variant is not damaging. In conclusion, we classify C3 p.Val1658Ala (c.4973T>C) as a variant of unknown significance.

Literature cited by the submitters: PubMed 22250080.